The following is an entry in ClinVar:

NM_015354.3(NUP188):c.3429+5G>A

Gene: NUP188 (nucleoporin 188; plus strand). Cytogenetic location: 9q34.11.
Variant type: single nucleotide variant.
Coding change: c.3429+5G>A on transcript NM_015354.3 (MANE Select); 5 bases into the intron after coding-DNA position 3429, G replaced by A.
Molecular consequence: intron variant.
Genome position (GRCh38, 1-based): chr9:128,998,233, G>A. VCF-style: chr9-128998233-G-A. GRCh37 (hg19) VCF-style: chr9-131760512-G-A.
Other names: NC_000009.11:g.131760512G>A.
Identifiers: ClinVar variation 3355905 (VCV003355905.2).
Genomic context (GRCh38, chr9:128,998,233, plus strand): 5'-ACTCTGTGGTGCGTCGCCAGCTCTTTCTTGACGTGCTTGATGGAACCAAAGCATTAGTAA[G>A]TGTGTCTGGGAGATTTTACATTTCTCCCAGGGAGGTTGTCTTTGAAGTCAAATAGCAGAG-3'

ClinVar aggregate classification (germline): Uncertain significance (0 of 4 stars; one submission).

Conditions:
NUP188-related disorder. Also called: NUP188-related condition.

gnomAD v4.1: 7 of 1,610,662 alleles (0.00043%); highest among the groups gnomAD compares: Non-Finnish European, 0.00051%; no homozygotes.

Submissions (2):

PreventionGenetics, part of Exact Sciences
Classification: Uncertain significance for NUP188-related condition. Last evaluated: 2024-06-24. Review status: no assertion criteria provided. Collection method: clinical testing. Allele origin: germline.
Comment: The NUP188 c.3429+5G>A variant is predicted to interfere with splicing. Based on available splicing prediction programs (Alamut Visual v1.6.1; SpliceAI, Jaganathan et al. 2019. PubMed ID: 30661751), this variant is predicted to abolish the canonical splice donor site; however, the use of computer prediction programs is not equivalent to functional evidence. This variant has been reported in the compound heterozygous state in an individual with motor delay, C1 dysplasia, hearing loss, tracheomalacia and cryptorchidism (Strauss et al. 2018. PubMed ID: 28726809). This variant is reported in 0.00088% of alleles in individuals of European (Non-Finnish) descent in gnomAD. Although we suspect that this variant may be pathogenic, at this time, the clinical significance of this variant is uncertain due to the absence of conclusive functional and genetic evidence.

Dr. Peter K. Rogan Lab, Western University
No classification provided (evidence only). Condition: Uterine corpus endometrial carcinoma. Review status: no classification provided. Collection method: in vitro. Allele origin: not applicable. Functional consequence: skipped exon. Not counted in ClinVar's aggregate classification.